The following is an entry in ClinVar:

ClinVar aggregate classification (germline): Uncertain significance (1 of 4 stars; one submission).

Conditions:
Hereditary cancer-predisposing syndrome. Also called: Neoplastic Syndromes, Hereditary; Tumor predisposition; Hereditary Cancer Syndrome; Hereditary neoplastic syndrome. Identifiers: Orphanet 140162, MedGen C0027672, MeSH D009386, MONDO:0015356.

Submission:

Ambry Genetics
Classification: Uncertain significance for Hereditary cancer-predisposing syndrome. Last evaluated: 2017-07-07. Review status: criteria provided, single submitter. Criteria: Ambry Variant Classification Scheme 2023. Collection method: clinical testing. Allele origin: germline.
Comment: The p.Q542P variant (also known as c.1625A>C), located in coding exon 12 of the APC gene, results from an A to C substitution at nucleotide position 1625. The glutamine at codon 542 is replaced by proline, an amino acid with similar properties. This amino acid position is highly conserved in available vertebrate species. In addition, in silico predictors for this gene do not accurately predict pathogenicity. Since supporting evidence is limited at this time, the clinical significance of this alteration remains unclear.

NM_000038.6(APC):c.1625A>C (p.Gln542Pro)

Gene: APC (APC regulator of Wnt signaling pathway; plus strand). Cytogenetic location: 5q22.2.
Variant type: single nucleotide variant.
Coding change: c.1625A>C on transcript NM_000038.6 (MANE Select); coding-DNA position 1625, A replaced by C.
Protein change: p.Gln542Pro; replaces glutamine 542 with proline.
Molecular consequence: missense variant.
Genome position (GRCh38, 1-based): chr5:112,828,005, A>C. VCF-style: chr5-112828005-A-C. GRCh37 (hg19) VCF-style: chr5-112163702-A-C.
Other names: c.1625A>C, p.Gln542Pro (NM_001127510.3, NM_001354895.2); c.1571A>C, p.Gln524Pro (NM_001127511.3); c.1679A>C, p.Gln560Pro (NM_001354896.2); c.1655A>C, p.Gln552Pro (NM_001354897.2); c.1550A>C, p.Gln517Pro (NM_001354898.2); c.1541A>C, p.Gln514Pro (NM_001354899.2); c.1502A>C, p.Gln501Pro (NM_001354900.2); c.1448A>C, p.Gln483Pro (NM_001354901.2); and 5 more; short protein forms Q542P, Q524P, Q416P, Q483P, Q514P, Q382P, Q441P, Q517P.
Identifiers: ClinVar variation 482494 (VCV000482494.5), dbSNP rs1554081925, ClinGen allele CA16024857.
Genomic context (GRCh38, chr5:112,828,005, plus strand): 5'-TGAAAGGCTGCATGAGAGCACTTGTGGCCCAACTAAAATCTGAAAGTGAAGACTTACAGC[A>C]GGTACTATTTAGAATTTCACCTGTTTTTCTTTTTTCTCTTTTTCTTTGAGGCAGGGTCTC-3'
Protein context (NP_000029.2, residues 532-552): QLKSESEDLQ[Gln542Pro]VIASVLRNLS